The following is an entry in ClinVar:

NM_001360.3(DHCR7):c.725G>C (p.Arg242Pro)

Gene: DHCR7 (7-dehydrocholesterol reductase; minus strand). Cytogenetic location: 11q13.4.
Variant type: single nucleotide variant.
Coding change: c.725G>C on transcript NM_001360.3 (MANE Select); coding-DNA position 725, G replaced by C.
Protein change: p.Arg242Pro; replaces arginine 242 with proline.
Molecular consequence: missense variant.
Genome position (GRCh38, 1-based): chr11:71,438,985, C>G on the plus strand (G>C on the coding strand, the complement: DHCR7 is on the minus strand). VCF-style: chr11-71438985-C-G. GRCh37 (hg19) VCF-style: chr11-71150031-C-G.
Other names: c.725G>C, p.Arg242Pro (NM_001163817.2); short protein forms R242P.
Identifiers: ClinVar variation 2036105 (VCV002036105.5), dbSNP rs80338857, ClinGen allele CA381703399.
Genomic context (GRCh38, chr11:71,438,985, plus strand): 5'-AGCTCCCGCTGCTTCGCTGCGAAGGACAGGTTGATGAGGGTCCAGGCGACGATCCCGGGG[C>G]GCCCATTGAAGAACAGCTTGAAGTCAAACCACTTCCCGATCCGAGGGTTAAACTCGATGC-3'
Protein context (NP_001351.2, residues 232-252): WFDFKLFFNG[Arg242Pro]PGIVAWTLIN

ClinVar aggregate classification (germline): Likely pathogenic. Review status: criteria provided, multiple submitters, no conflicts (2 of 4 stars). 2 submissions from 2 submitters: Likely pathogenic (2). Last evaluated 2024-02-05.

Conditions:
Smith-Lemli-Opitz syndrome (SLOS). Also called: POLYDACTYLY, SEX REVERSAL, RENAL HYPOPLASIA, AND UNILOBAR LUNG; RSH SYNDROME; RUTLEDGE LETHAL MULTIPLE CONGENITAL ANOMALY SYNDROME; 7-Dehydrocholesterol reductase deficiency; LETHAL ACRODYSGENITAL SYNDROME. Identifiers: Orphanet 818, MedGen C0175694, MONDO:0010035, OMIM 270400.

Submissions (2):

Fulgent Genetics
Classification: Likely pathogenic for Smith-Lemli-Opitz syndrome. Last evaluated: 2024-02-05. Review status: criteria provided, single submitter. Criteria: ACMG Guidelines, 2015. Collection method: clinical testing. Allele origin: germline.

Labcorp Genetics (formerly Invitae), Labcorp
Classification: Likely pathogenic for Smith-Lemli-Opitz syndrome. Last evaluated: 2022-10-19. Review status: criteria provided, single submitter. Criteria: Invitae Variant Classification Sherloc (09022015). Collection method: clinical testing. Allele origin: germline.
Comment: This sequence change replaces arginine, which is basic and polar, with proline, which is neutral and non-polar, at codon 242 of the DHCR7 protein (p.Arg242Pro). This variant is not present in population databases (gnomAD no frequency). This variant has not been reported in the literature in individuals affected with DHCR7-related conditions. Advanced modeling of protein sequence and biophysical properties (such as structural, functional, and spatial information, amino acid conservation, physicochemical variation, residue mobility, and thermodynamic stability) performed at Invitae indicates that this missense variant is expected to disrupt DHCR7 protein function. This variant disrupts the p.Arg242 amino acid residue in DHCR7. Other variant(s) that disrupt this residue have been determined to be pathogenic (PMID: 10405455, 10677299, 10995508, 15464432, 15954111, 26969503). This suggests that this residue is clinically significant, and that variants that disrupt this residue are likely to be disease-causing. In summary, the currently available evidence indicates that the variant is pathogenic, but additional data are needed to prove that conclusively. Therefore, this variant has been classified as Likely Pathogenic.

Literature cited by the submitters: PubMed 10405455 (cited by Labcorp Genetics (formerly Invitae), Labcorp); PubMed 10677299 (cited by Labcorp Genetics (formerly Invitae), Labcorp); PubMed 10995508 (cited by Labcorp Genetics (formerly Invitae), Labcorp); PubMed 15464432 (cited by Labcorp Genetics (formerly Invitae), Labcorp); PubMed 15954111 (cited by Labcorp Genetics (formerly Invitae), Labcorp); PubMed 26969503 (cited by Labcorp Genetics (formerly Invitae), Labcorp).